The following is an entry in ClinVar:

ClinVar aggregate classification (germline): Uncertain significance. Review status: criteria provided, multiple submitters, no conflicts (2 of 4 stars). 4 submissions from 4 submitters: Uncertain significance (4). Last evaluated 2025-02-06.

Conditions:
Diffuse cerebral and cerebellar atrophy - intractable seizures - progressive microcephaly syndrome. Also called: Microcephaly, progressive, with seizures and cerebral and cerebellar atrophy. Identifiers: Orphanet 404437, MedGen C4014239, MONDO:0014335, OMIM 615760.

Allele frequency attached by ClinVar (database versions not stated): gnomAD 0.00002 and 0.00003; TOPMed 0.00002; ExAC 0.00006; gnomAD exomes 0.00008 and 0.00004; 1000 Genomes Project 30x 0.00016; 1000 Genomes Project 0.00020.
gnomAD v4.1: 112 of 1,614,204 alleles (0.0069%); highest among the groups gnomAD compares: Non-Finnish European, 0.0091%; no homozygotes.

Submissions (4):

ARUP Laboratories, Molecular Genetics and Genomics, ARUP Laboratories
Classification: Uncertain significance for Diffuse cerebral and cerebellar atrophy - intractable seizures - progressive microcephaly syndrome. Last evaluated: 2025-02-06. Review status: criteria provided, single submitter. Criteria: ARUP Molecular Germline Variant Investigation Process 2024. Collection method: clinical testing. Allele origin: germline.

Labcorp Genetics (formerly Invitae), Labcorp
Classification: Uncertain significance for Diffuse cerebral and cerebellar atrophy - intractable seizures - progressive microcephaly syndrome. Last evaluated: 2022-07-18. Review status: criteria provided, single submitter. Criteria: Invitae Variant Classification Sherloc (09022015). Collection method: clinical testing. Allele origin: germline.
Comment: This sequence change replaces tyrosine, which is neutral and polar, with cysteine, which is neutral and slightly polar, at codon 692 of the QARS protein (p.Tyr692Cys). This variant is present in population databases (rs557972227, gnomAD 0.006%). This variant has not been reported in the literature in individuals affected with QARS-related conditions. ClinVar contains an entry for this variant (Variation ID: 844503). Algorithms developed to predict the effect of missense changes on protein structure and function (SIFT, PolyPhen-2, Align-GVGD) all suggest that this variant is likely to be disruptive. Algorithms developed to predict the effect of sequence changes on RNA splicing suggest that this variant may create or strengthen a splice site. In summary, the available evidence is currently insufficient to determine the role of this variant in disease. Therefore, it has been classified as a Variant of Uncertain Significance.

GeneDx
Classification: Uncertain significance. Last evaluated: 2019-11-12. Review status: criteria provided, single submitter. Criteria: GeneDx Variant Classification Process June 2021. Collection method: clinical testing. Allele origin: germline. Affected: yes.
Comment: Not observed at a significant frequency in large population cohorts (Lek et al., 2016); In silico analysis, which includes protein predictors and evolutionary conservation, supports a deleterious effect; Has not been previously published as pathogenic or benign to our knowledge

Baylor Genetics
Classification: Uncertain significance for Diffuse cerebral and cerebellar atrophy - intractable seizures - progressive microcephaly syndrome. Last evaluated: 2019-02-23. Review status: criteria provided, single submitter. Criteria: ACMG Guidelines, 2015. Collection method: clinical testing. Allele origin: maternal. Affected: yes.
Comment: This variant was determined to be of uncertain significance according to ACMG Guidelines, 2015 [PMID:25741868].

NM_005051.3(QARS1):c.2075A>G (p.Tyr692Cys)

Gene: QARS1 (glutaminyl-tRNA synthetase 1; minus strand). Cytogenetic location: 3p21.31.
Variant type: single nucleotide variant.
Coding change: c.2075A>G on transcript NM_005051.3 (MANE Select); coding-DNA position 2075, A replaced by G.
Protein change: p.Tyr692Cys; replaces tyrosine 692 with cysteine.
Molecular consequence: missense variant. On other transcripts: non-coding transcript variant (1).
Genome position (GRCh38, 1-based): chr3:49,098,362, T>C on the plus strand (A>G on the coding strand, the complement: QARS1 is on the minus strand). VCF-style: chr3-49098362-T-C. GRCh37 (hg19) VCF-style: chr3-49135795-T-C.
Other names: c.2042A>G, p.Tyr681Cys (NM_001272073.2); short protein forms Y692C, Y681C.
Identifiers: ClinVar variation 844503 (VCV000844503.7), dbSNP rs557972227, ClinGen allele CA2391543.